The following is an entry in ClinVar:

ClinVar aggregate classification (germline): Uncertain significance (1 of 4 stars; one submission).

Conditions:
Familial hypocalciuric hypercalcemia (FHH). Also called: Familial benign hypercalcemia. Identifiers: Orphanet 405, MedGen C1809471, MONDO:0018458.
Autosomal dominant hypocalcemia 1 (HYPOC1). Also called: HYPOCALCEMIA, FAMILIAL. Identifiers: MedGen C3715128, MONDO:0011013, OMIM 601198.

Allele frequency attached by ClinVar (database versions not stated): gnomAD exomes below 0.00001.
gnomAD v4.1: 1 of 1,614,088 alleles (0.000062%); highest among the groups gnomAD compares: Non-Finnish European, 0.000085%; no homozygotes.

Submission:

Labcorp Genetics (formerly Invitae), Labcorp
Classification: Uncertain significance for Familial hypocalciuric hypercalcemia; Autosomal dominant hypocalcemia 1. Last evaluated: 2023-08-30. Review status: criteria provided, single submitter. Criteria: Invitae Variant Classification Sherloc (09022015). Collection method: clinical testing. Allele origin: germline.
Comment: An algorithm developed to predict the effect of missense changes on protein structure and function (PolyPhen-2) suggests that this variant is likely to be disruptive. This variant has not been reported in the literature in individuals affected with CASR-related conditions. This variant is not present in population databases (gnomAD no frequency). This sequence change replaces proline, which is neutral and non-polar, with serine, which is neutral and polar, at codon 611 of the CASR protein (p.Pro611Ser). In summary, the available evidence is currently insufficient to determine the role of this variant in disease. Therefore, it has been classified as a Variant of Uncertain Significance.

NM_000388.4(CASR):c.1831C>T (p.Pro611Ser)

Gene: CASR (calcium sensing receptor; plus strand). Cytogenetic location: 3q21.1.
Variant type: single nucleotide variant.
Coding change: c.1831C>T on transcript NM_000388.4 (MANE Select); coding-DNA position 1831, C replaced by T.
Protein change: p.Pro611Ser; replaces proline 611 with serine.
Molecular consequence: missense variant.
Genome position (GRCh38, 1-based): chr3:122,283,785, C>T. VCF-style: chr3-122283785-C-T. GRCh37 (hg19) VCF-style: chr3-122002632-C-T.
Other names: c.1861C>T, p.Pro621Ser (NM_001178065.2); short protein forms P621S, P611S.
Identifiers: ClinVar variation 2941147 (VCV002941147.3), dbSNP rs2473276443, ClinGen allele CA354157537.